The following is an entry in ClinVar:

NM_000310.4(PPT1):c.566C>T (p.Pro189Leu)

Gene: PPT1 (palmitoyl-protein thioesterase 1; minus strand). Cytogenetic location: 1p34.2.
Variant type: single nucleotide variant.
Coding change: c.566C>T on transcript NM_000310.4 (MANE Select); coding-DNA position 566, C replaced by T.
Protein change: p.Pro189Leu; replaces proline 189 with leucine.
Molecular consequence: missense variant.
Genome position (GRCh38, 1-based): chr1:40,080,458, G>A on the plus strand (C>T on the coding strand, the complement: PPT1 is on the minus strand). VCF-style: chr1-40080458-G-A. GRCh37 (hg19) VCF-style: chr1-40546130-G-A.
Other names: c.257C>T, p.Pro86Leu (NM_001142604.2); c.566C>T, p.Pro189Leu (NM_001363695.2); short protein forms P86L, P189L.
Identifiers: ClinVar variation 1990941 (VCV001990941.1), dbSNP rs386833658, ClinGen allele CA21007548.

ClinVar aggregate classification (germline): Uncertain significance (1 of 4 stars; one submission).

Conditions:
Neuronal ceroid lipofuscinosis 1 (CLN1). Also called: PPT1-Related Neuronal Ceroid-Lipofuscinosis; CEROID LIPOFUSCINOSIS, NEURONAL, 1, VARIABLE AGE AT ONSET. Identifiers: Orphanet 228329, MedGen C1850451, MONDO:0009744, OMIM 256730.

Allele frequency attached by ClinVar (database versions not stated): gnomAD exomes 0.00002.
gnomAD v4.1: 28 of 1,614,022 alleles (0.0017%); highest among the groups gnomAD compares: Non-Finnish European, 0.0023%; no homozygotes.

Submission:

Labcorp Genetics (formerly Invitae), Labcorp
Classification: Uncertain significance for Neuronal ceroid lipofuscinosis 1. Last evaluated: 2022-06-08. Review status: criteria provided, single submitter. Criteria: Invitae Variant Classification Sherloc (09022015). Collection method: clinical testing. Allele origin: germline.
Comment: This sequence change replaces proline, which is neutral and non-polar, with leucine, which is neutral and non-polar, at codon 189 of the PPT1 protein (p.Pro189Leu). This variant is present in population databases (no rsID available, gnomAD 0.0009%). This variant has not been reported in the literature in individuals affected with PPT1-related conditions. Advanced modeling of protein sequence and biophysical properties (such as structural, functional, and spatial information, amino acid conservation, physicochemical variation, residue mobility, and thermodynamic stability) performed at Invitae indicates that this missense variant is expected to disrupt PPT1 protein function. In summary, the available evidence is currently insufficient to determine the role of this variant in disease. Therefore, it has been classified as a Variant of Uncertain Significance.